The following is an entry in ClinVar:

NM_207122.2(EXT2):c.50G>C (p.Arg17Thr)

Gene: EXT2 (exostosin glycosyltransferase 2; plus strand). Cytogenetic location: 11p11.2.
Variant type: single nucleotide variant.
Coding change: c.50G>C on transcript NM_207122.2 (MANE Select); coding-DNA position 50, G replaced by C.
Protein change: p.Arg17Thr; replaces arginine 17 with threonine.
Molecular consequence: missense variant.
Genome position (GRCh38, 1-based): chr11:44,107,762, G>C. VCF-style: chr11-44107762-G-C. GRCh37 (hg19) VCF-style: chr11-44129312-G-C.
Other names: c.149G>C, p.Arg50Thr (NM_000401.3); c.50G>C, p.Arg17Thr (NM_001178083.3, NM_001389628.1, NM_001389630.1); short protein forms R17T, R50T.
Identifiers: ClinVar variation 3360496 (VCV003360496.2).

ClinVar aggregate classification (germline): Uncertain significance. Review status: criteria provided, multiple submitters, no conflicts (2 of 4 stars). 2 submissions from 2 submitters: Uncertain significance (2). Last evaluated 2025-05-17.

Conditions:
Inborn genetic diseases. Identifiers: MedGen C0950123, MeSH D030342.

gnomAD v4.1: 2 of 1,614,058 alleles (0.00012%); highest among the groups gnomAD compares: African/African-American, 0.0027%; no homozygotes.

Submissions (2):

Ambry Genetics
Classification: Uncertain significance for Inborn genetic diseases. Last evaluated: 2025-05-17. Review status: criteria provided, single submitter. Criteria: Ambry Variant Classification Scheme 2023. Collection method: clinical testing. Allele origin: germline.

GeneDx
Classification: Uncertain significance. Last evaluated: 2023-06-26. Review status: criteria provided, single submitter. Criteria: GeneDx Variant Classification Process June 2021. Collection method: clinical testing. Allele origin: germline. Affected: yes.
Comment: In silico analysis supports that this missense variant has a deleterious effect on protein structure/function; Has not been previously published as pathogenic or benign to our knowledge